The following is an entry in ClinVar:

ClinVar aggregate classification (germline): Likely benign (1 of 4 stars; one submission).

Allele frequency attached by ClinVar (database versions not stated): gnomAD 0.00003; gnomAD exomes 0.00006; TOPMed 0.00006; ExAC 0.00007; ESP Exome Variant Server 0.00015.
gnomAD v4.1: 91 of 1,613,980 alleles (0.0056%); highest among the groups gnomAD compares: Admixed American, 0.0033%; 1 homozygote.

Submission:

CeGaT Center for Human Genetics Tuebingen
Classification: Likely benign. Last evaluated: 2023-01-01. Review status: criteria provided, single submitter. Criteria: CeGaT Center For Human Genetics Tuebingen Variant Classification Criteria Version 2. Collection method: clinical testing. Allele origin: germline. Affected: yes. Observed: 1 variant allele.
Comment: SRRM2: BP4

NM_016333.4(SRRM2):c.4727G>A (p.Arg1576Lys)

Gene: SRRM2 (serine/arginine repetitive matrix 2; plus strand). Cytogenetic location: 16p13.3.
Variant type: single nucleotide variant.
Coding change: c.4727G>A on transcript NM_016333.4 (MANE Select); coding-DNA position 4727, G replaced by A.
Protein change: p.Arg1576Lys; replaces arginine 1576 with lysine.
Molecular consequence: missense variant.
Genome position (GRCh38, 1-based): chr16:2,765,255, G>A. VCF-style: chr16-2765255-G-A. GRCh37 (hg19) VCF-style: chr16-2815256-G-A.
Other names: short protein forms R1576K.
Identifiers: ClinVar variation 2646075 (VCV002646075.24), dbSNP rs144947349, ClinGen allele CA7848271.